The following is an entry in ClinVar:

NM_000094.4(COL7A1):c.8764C>T (p.Arg2922Cys)

Gene: COL7A1 (collagen type VII alpha 1 chain; minus strand). Cytogenetic location: 3p21.31.
Variant type: single nucleotide variant.
Coding change: c.8764C>T on transcript NM_000094.4 (MANE Select); coding-DNA position 8764, C replaced by T.
Protein change: p.Arg2922Cys; replaces arginine 2922 with cysteine.
Molecular consequence: missense variant.
Genome position (GRCh38, 1-based): chr3:48,564,837, G>A on the plus strand (C>T on the coding strand, the complement: COL7A1 is on the minus strand). VCF-style: chr3-48564837-G-A. GRCh37 (hg19) VCF-style: chr3-48602270-G-A.
Other names: short protein forms R2922C.
Identifiers: ClinVar variation 4747286 (VCV004747286.1).
Genomic context (GRCh38, chr3:48,564,837, plus strand): 5'-CCATACCTGTCCCCTGGCTCTGGACCACCCGGGGTGGGCAGCGGCGCTCGCAGGCCTCAC[G>A]GGTCCCAAAACGGTTGGCATTCCCTCCACAGCCACCATAGACAAAAGGGTGACAGGCCTC-3'
Protein context (NP_000085.1, residues 2912-2932): CGGNANRFGT[Arg2922Cys]EACERRCPPR

ClinVar aggregate classification (germline): Uncertain significance (1 of 4 stars; one submission).

gnomAD v4.1: 8 of 1,613,936 alleles (0.0005%); highest among the groups gnomAD compares: South Asian, 0.0011%; no homozygotes.

Submission:

Labcorp Genetics (formerly Invitae), Labcorp
Classification: Uncertain significance. Last evaluated: 2025-10-21. Review status: criteria provided, single submitter. Criteria: Invitae Variant Classification Sherloc (09022015). Collection method: clinical testing. Allele origin: germline.
Comment: This sequence change replaces arginine, which is basic and polar, with cysteine, which is neutral and slightly polar, at codon 2922 of the COL7A1 protein (p.Arg2922Cys). This variant is present in population databases (no rsID available, gnomAD 0.0009%). This missense change has been observed in individual(s) with autosomal recessive epidermolysis bullosa dystrophica (PMID: 19681861). In at least one individual the data is consistent with being in trans (on the opposite chromosome) from a pathogenic variant. Invitae Evidence Modeling of protein sequence and biophysical properties (such as structural, functional, and spatial information, amino acid conservation, physicochemical variation, residue mobility, and thermodynamic stability) indicates that this missense variant is not expected to disrupt COL7A1 protein function with a negative predictive value of 95%. In summary, the available evidence is currently insufficient to determine the role of this variant in disease. Therefore, it has been classified as a Variant of Uncertain Significance.

Literature cited by the submitters: PubMed 19681861.